The following is an entry in ClinVar:

ClinVar aggregate classification (germline): Uncertain significance (1 of 4 stars; one submission).

gnomAD v4.1: 18 of 1,259,442 alleles (0.0014%); highest among the groups gnomAD compares: Non-Finnish European, 0.0016%; no homozygotes.

Submission:

Labcorp Genetics (formerly Invitae), Labcorp
Classification: Uncertain significance. Last evaluated: 2021-09-20. Review status: criteria provided, single submitter. Criteria: Invitae Variant Classification Sherloc (09022015). Collection method: clinical testing. Allele origin: germline.
Comment: This sequence change replaces alanine with glycine at codon 77 of the LRRK1 protein (p.Ala77Gly). The alanine residue is weakly conserved and there is a small physicochemical difference between alanine and glycine. The frequency data for this variant in the population databases is considered unreliable, as metrics indicate insufficient coverage at this position in the ExAC database. This variant has not been reported in the literature in individuals affected with LRRK1-related conditions. Algorithms developed to predict the effect of missense changes on protein structure and function (SIFT, PolyPhen-2, Align-GVGD) all suggest that this variant is likely to be tolerated. In summary, the available evidence is currently insufficient to determine the role of this variant in disease. Therefore, it has been classified as a Variant of Uncertain Significance.

NM_024652.6(LRRK1):c.230C>G (p.Ala77Gly)

Gene: LRRK1 (leucine rich repeat kinase 1; plus strand). Cytogenetic location: 15q26.3.
Variant type: single nucleotide variant.
Coding change: c.230C>G on transcript NM_024652.6 (MANE Select); coding-DNA position 230, C replaced by G.
Protein change: p.Ala77Gly; replaces alanine 77 with glycine.
Molecular consequence: missense variant.
Genome position (GRCh38, 1-based): chr15:100,973,936, C>G. VCF-style: chr15-100973936-C-G. GRCh37 (hg19) VCF-style: chr15-101514141-C-G.
Other names: short protein forms A77G.
Identifiers: ClinVar variation 1443682 (VCV001443682.3), dbSNP rs893166977, ClinGen allele CA275586711.